The following is an entry in ClinVar:

NM_001379286.1(ZNF423):c.3555C>T (p.Phe1185=)

Gene: ZNF423 (zinc finger protein 423; minus strand). Cytogenetic location: 16q12.1.
Variant type: single nucleotide variant.
Coding change: c.3555C>T on transcript NM_001379286.1 (MANE Select); coding-DNA position 3555, C replaced by T.
Protein change: p.Phe1185=; no amino-acid change (phenylalanine 1185 retained).
Molecular consequence: synonymous variant.
Genome position (GRCh38, 1-based): chr16:49,626,216, G>A on the plus strand (C>T on the coding strand, the complement: ZNF423 is on the minus strand). VCF-style: chr16-49626216-G-A. GRCh37 (hg19) VCF-style: chr16-49660127-G-A.
Other names: c.3531C>T (NM_015069.4); c.3351C>T, p.Phe1117= (NM_001271620.2); c.3180C>T, p.Phe1060= (NM_001330533.2); c.3531C>T, p.Phe1177= (NM_015069.5).
Identifiers: ClinVar variation 1951104 (VCV001951104.8), dbSNP rs370042590, ClinGen allele CA8046258.

ClinVar aggregate classification (germline): Likely benign. Review status: criteria provided, multiple submitters, no conflicts (2 of 4 stars). 3 submissions from 3 submitters: Likely benign (2). 1 of the submissions does not count toward it. Last evaluated 2024-03-05.

Conditions:
Nephronophthisis 14 (NPHP14). Identifiers: Orphanet 2318, MedGen C3539071, MONDO:0013916, OMIM 614844.
ZNF423-related disorder. Also called: ZNF423-related condition.

Allele frequency attached by ClinVar (database versions not stated): gnomAD 0.00002; gnomAD exomes 0.00002; TOPMed 0.00002; ExAC 0.00006; ESP Exome Variant Server 0.00008.
gnomAD v4.1: 36 of 1,614,058 alleles (0.0022%); highest among the groups gnomAD compares: South Asian, 0.02%; no homozygotes.

Submissions (3):

Blueprint Genetics
Classification: Likely benign. Last evaluated: 2024-03-05. Review status: criteria provided, single submitter. Criteria: ACMG Guidelines, 2015. Collection method: clinical testing. Allele origin: germline.

Labcorp Genetics (formerly Invitae), Labcorp
Classification: Likely benign for Nephronophthisis 14. Last evaluated: 2022-05-15. Review status: criteria provided, single submitter. Criteria: Invitae Variant Classification Sherloc (09022015). Collection method: clinical testing. Allele origin: germline.

PreventionGenetics, part of Exact Sciences
Classification: Likely benign for ZNF423-related condition. Last evaluated: 2019-04-22. Review status: no assertion criteria provided. Collection method: clinical testing. Allele origin: germline. Not counted in ClinVar's aggregate classification.
Comment: This variant is classified as likely benign based on ACMG/AMP sequence variant interpretation guidelines (Richards et al. 2015 PMID: 25741868, with internal and published modifications).